The following is an entry in ClinVar:

ClinVar aggregate classification (germline): Uncertain significance. Review status: criteria provided, multiple submitters, no conflicts (2 of 4 stars). 13 submissions from 11 submitters: Uncertain significance (13). Last evaluated 2026-06-01.

Conditions:
Amyotrophic lateral sclerosis type 5 (ALS5). Also called: AMYOTROPHIC LATERAL SCLEROSIS 5, JUVENILE. Identifiers: Orphanet 300605, MedGen C1865864, MONDO:0011196, OMIM 602099.
Hereditary spastic paraplegia 11. Also called: SPASTIC PARAPLEGIA, AUTOSOMAL RECESSIVE, COMPLICATED, WITH THIN CORPUS CALLOSUM; SPASTIC PARAPLEGIA, AUTOSOMAL RECESSIVE, WITH MENTAL IMPAIRMENT AND THIN CORPUS CALLOSUM; Spastic Paraplegia 11; Nakamura Osame syndrome; Autosomal recessive hereditary spastic paraplegia, mental impairment, and thin corpus callosum; Spastic paraplegia, mental retardation and thin corpus callosum. Identifiers: Orphanet 2822, MedGen C1858479, MONDO:0011445, OMIM 604360.
Charcot-Marie-Tooth disease axonal type 2X. Also called: CHARCOT-MARIE-TOOTH DISEASE, AXONAL, AUTOSOMAL RECESSIVE, TYPE 2X; CHARCOT-MARIE-TOOTH NEUROPATHY, TYPE 2X. Identifiers: Orphanet 466775, MedGen C5569024, MONDO:0014726, OMIM 616668.
Hereditary spastic paraplegia. Also called: Familial spastic paraparesis. Identifiers: Orphanet 685, MedGen C0037773, MONDO:0019064. Disease mechanism: loss of function.
Inborn genetic diseases. Identifiers: MedGen C0950123, MeSH D030342.

Allele frequency attached by ClinVar (database versions not stated): gnomAD exomes 0.00023; TOPMed 0.00023; gnomAD 0.00026 and 0.00027; ExAC 0.00028; ESP Exome Variant Server 0.00031.
gnomAD v4.1: 513 of 1,613,902 alleles (0.032%); highest among the groups gnomAD compares: Non-Finnish European, 0.04%; no homozygotes.

Submissions (13):

CeGaT Center for Human Genetics Tuebingen
Classification: Uncertain significance. Last evaluated: 2026-06-01. Review status: criteria provided, single submitter. Criteria: CeGaT Center For Human Genetics Tuebingen Variant Classification Criteria Version 2. Collection method: clinical testing. Allele origin: germline. Affected: yes. Observed: 1 variant allele.
Comment: SPG11: PM2, PP3

Ambry Genetics
Classification: Uncertain significance for Inborn genetic diseases. Last evaluated: 2025-11-25. Review status: criteria provided, single submitter. Criteria: Ambry Variant Classification Scheme 2023. Collection method: clinical testing. Allele origin: germline.

Mayo Clinic Laboratories, Mayo Clinic
Classification: Uncertain significance. Last evaluated: 2025-04-21. Review status: criteria provided, single submitter. Criteria: ACMG Guidelines, 2015. Collection method: clinical testing. Allele origin: germline. Observed: 3 variant alleles.

Blueprint Genetics
Classification: Uncertain significance. Last evaluated: 2024-11-20. Review status: criteria provided, single submitter. Criteria: ACMG Guidelines, 2015. Collection method: clinical testing. Allele origin: germline.

Women's Health and Genetics/Laboratory Corporation of America, LabCorp
Classification: Uncertain significance. Last evaluated: 2024-01-31. Review status: criteria provided, single submitter. Criteria: LabCorp Variant Classification Summary - May 2015. Collection method: clinical testing. Allele origin: germline.
Comment: Variant summary: SPG11 c.6625C>T (p.Arg2209Cys) results in a non-conservative amino acid change located in the C-terminal domain (IPR028107) of the encoded protein sequence. Five of five in-silico tools predict a damaging effect of the variant on protein function. The variant allele was found at a frequency of 0.00032 (i.e. in 513 carriers) in 1,606,906 control chromosomes (gnomAD v4). This frequency is not higher than the estimated maximum expected for a pathogenic variant in SPG11 causing Hereditary Spastic Paraplegia, Type 11 (0.0011), allowing no conclusion about variant significance. The variant c.6625C>T has been reported in the literature in individuals affected with amyotrophic lateral sclerosis (e.g. Couthouis_2014, Lamp_2018, Lattante_2020), however no second variant was specified in these cases. These reports therefore do not provide unequivocal conclusions about the role of the variant. To our knowledge, no experimental evidence demonstrating an impact on protein function has been reported. ClinVar contains an entry for this variant (Variation ID: 466559). Based on the evidence outlined above, the variant was classified as uncertain significance.

Labcorp Genetics (formerly Invitae), Labcorp
Classification: Uncertain significance for Hereditary spastic paraplegia 11. Last evaluated: 2022-10-26. Review status: criteria provided, single submitter. Criteria: Invitae Variant Classification Sherloc (09022015). Collection method: clinical testing. Allele origin: germline.
Comment: This sequence change replaces arginine, which is basic and polar, with cysteine, which is neutral and slightly polar, at codon 2209 of the SPG11 protein (p.Arg2209Cys). This variant is present in population databases (rs374057859, gnomAD 0.05%). This variant has not been reported in the literature in individuals affected with SPG11-related conditions. ClinVar contains an entry for this variant (Variation ID: 466559). Advanced modeling of protein sequence and biophysical properties (such as structural, functional, and spatial information, amino acid conservation, physicochemical variation, residue mobility, and thermodynamic stability) performed at Invitae indicates that this missense variant is expected to disrupt SPG11 protein function. In summary, the available evidence is currently insufficient to determine the role of this variant in disease. Therefore, it has been classified as a Variant of Uncertain Significance.

Victorian Clinical Genetics Services, Murdoch Childrens Research Institute
Classification: Uncertain significance for Hereditary spastic paraplegia 11. Last evaluated: 2020-10-19. Review status: criteria provided, single submitter. Criteria: ACMG Guidelines, 2015. Collection method: clinical testing. Allele origin: germline. Inheritance: Autosomal recessive inheritance. Affected: yes.
Comment: Based on the classification scheme VCGS_Germline_v1.3.3, this variant is classified as 3A-VUS. Following criteria are met: 0102 - Loss of function is a known mechanism of disease in this gene and is associated with amyotrophic lateral sclerosis 5, juvenile (MIM#602099), Charcot-Marie-Tooth disease, axonal, type 2X (MIM#616668) and spastic paraplegia 11 (MIM#604360). (I) 0106 - This gene is associated with autosomal recessive disease. (I) 0200 - Variant is predicted to result in a missense amino acid change from arginine to cysteine. (I) 0251 - This variant is heterozygous. (I) 0304 - Variant is present in gnomAD <0.01 for a recessive condition (v2: 62 heterozygotes, 0 homozygotes). (SP) 0309 - An alternative amino acid change at the same position has been observed in gnomAD (v3) (2 heterozygotes, 0 homozygotes). (I) 0501 - Missense variant consistently predicted to be damaging by multiple in silico tools or highly conserved with a major amino acid change. (SP) 0600 - Variant is located in the annotated Spatacsin C-terminus domain (NCBI conserved domain). (I) 0710 - Another missense variant comparable to the one identified in this case has inconclusive previous evidence for pathogenicity. The p.Arg2209His missense variant has been submitted as a variant of uncertain significance in ClinVar. (I) 0808 - Previous reports of pathogenicity for this variant are conflicting. The variant is classified as a variant of uncertain significance in ClinVar. It has also been identified in one individual with amyotrophic lateral sclerosis however, the zygosity of this variant was not specified (ClinVar; PMID: 25299611). (I) 0905 - No published segregation evidence has been identified for this variant. (I) 1007 - No published functional evidence has been identified for this variant. (I) 1102 - Strong phenotype match for this individual. (SP) 1208 - Inheritance information for this variant is not currently available in this individual. (I) Legend: (SP) - Supporting pathogenic, (I) - Information, (SB) - Supporting benign

Athena Diagnostics
Classification: Uncertain significance. Last evaluated: 2019-02-14. Review status: criteria provided, single submitter. Criteria: Athena Diagnostics Criteria. Collection method: clinical testing. Allele origin: germline.

Fulgent Genetics
Classification: Uncertain significance for Amyotrophic lateral sclerosis type 5; Hereditary spastic paraplegia 11; Charcot-Marie-Tooth disease axonal type 2X. Last evaluated: 2018-10-31. Review status: criteria provided, single submitter. Criteria: ACMG Guidelines, 2015. Collection method: clinical testing. Allele origin: unknown.

Genome Diagnostics Laboratory, The Hospital for Sick Children
Classification: Uncertain significance for Hereditary spastic paraplegia. Last evaluated: 2016-12-12. Review status: criteria provided, single submitter. Criteria: ACMG Guidelines, 2015. Collection method: clinical testing. Allele origin: germline. Affected: yes.

Genome-Nilou Lab
Classification: Uncertain significance for Amyotrophic lateral sclerosis type 5. Review status: criteria provided, single submitter. Criteria: ACMG Guidelines, 2015. Collection method: clinical testing. Allele origin: germline.

Genome-Nilou Lab
Classification: Uncertain significance for Charcot-Marie-Tooth disease axonal type 2X. Review status: criteria provided, single submitter. Criteria: ACMG Guidelines, 2015. Collection method: clinical testing. Allele origin: germline.

Genome-Nilou Lab
Classification: Uncertain significance for Hereditary spastic paraplegia 11. Review status: criteria provided, single submitter. Criteria: ACMG Guidelines, 2015. Collection method: clinical testing. Allele origin: germline.

Literature cited by the submitters: PubMed 29525178 (cited by 3 submitters); PubMed 29908077 (cited by Women's Health and Genetics/Laboratory Corporation of America, LabCorp); PubMed 25299611 (cited by Women's Health and Genetics/Laboratory Corporation of America, LabCorp and Victorian Clinical Genetics Services, Murdoch Childrens Research Institute); PubMed 32987860 (cited by Women's Health and Genetics/Laboratory Corporation of America, LabCorp); PubMed 32293029 (cited by Women's Health and Genetics/Laboratory Corporation of America, LabCorp).

NM_025137.4(SPG11):c.6625C>T (p.Arg2209Cys)

Gene: SPG11 (SPG11 vesicle trafficking associated, spatacsin; minus strand). Cytogenetic location: 15q21.1.
Variant type: single nucleotide variant.
Coding change: c.6625C>T on transcript NM_025137.4 (MANE Select); coding-DNA position 6625, C replaced by T.
Protein change: p.Arg2209Cys; replaces arginine 2209 with cysteine.
Molecular consequence: missense variant.
Genome position (GRCh38, 1-based): chr15:44,567,553, G>A on the plus strand (C>T on the coding strand, the complement: SPG11 is on the minus strand). VCF-style: chr15-44567553-G-A. GRCh37 (hg19) VCF-style: chr15-44859751-G-A.
Other names: p.R2209C; p.Arg2209Cys; c.6286C>T, p.Arg2096Cys (NM_001160227.2); short protein forms R2209C, R2096C.
Identifiers: ClinVar variation 466559 (VCV000466559.20), dbSNP rs374057859, ClinGen allele CA7534060.